The following is an entry in ClinVar:

ClinVar aggregate classification (germline): Likely pathogenic (1 of 4 stars; one submission).

Conditions:
Cystic fibrosis (CF). Also called: MUCOVISCIDOSIS. Identifiers: Orphanet 586, MedGen C0010674, MONDO:0009061, OMIM 219700. Disease mechanism: loss of function.

Submission:

Myriad Genetics, Inc.
Classification: Likely pathogenic for Cystic fibrosis. Last evaluated: 2022-02-12. Review status: criteria provided, single submitter. Criteria: Myriad Women's Health Autosomal Recessive and X-Linked Classification Criteria (2021). Collection method: clinical testing. Allele origin: unknown.
Comment: NM_000492.3(CFTR):c.2824delA(I942Sfs*26) is expected to be pathogenic in the context of cystic fibrosis. This variant is predicted to lead to an abnormal or absent protein product due to the creation of a premature termination codon in CFTR, a gene where loss-of-function variants are known to be pathogenic. Please note: this variant was assessed in the context of healthy population screening.

NM_000492.4(CFTR):c.2824del (p.Ile942fs)

Gene: CFTR (CF transmembrane conductance regulator; plus strand). Cytogenetic location: 7q31.2.
Variant type: Deletion.
Coding change: c.2824del on transcript NM_000492.4 (MANE Select); coding-DNA position 2824, one base deleted (A; older notation c.2824delA).
Protein change: p.Ile942fs; shifts the reading frame from isoleucine 942.
Molecular consequence: frameshift variant.
Genome position (GRCh38, 1-based): chr7:117,603,698, A deleted; the last of 2 consecutive A bases (chr7:117,603,697-117,603,698); deleting either gives the same sequence. VCF-style (leftmost placement, unchanged base first): chr7-117603696-TA-T. GRCh37 (hg19) VCF-style: chr7-117243750-TA-T.
Other names: short protein forms I942fs.
Identifiers: ClinVar variation 1724391 (VCV001724391.2), dbSNP rs2485122195, ClinGen allele CA2580076358.